The following is an entry in ClinVar:

ClinVar aggregate classification (germline): Uncertain significance (1 of 4 stars; one submission).

Submission:

Labcorp Genetics (formerly Invitae), Labcorp
Classification: Uncertain significance. Last evaluated: 2020-10-01. Review status: criteria provided, single submitter. Criteria: Invitae Variant Classification Sherloc (09022015). Collection method: clinical testing. Allele origin: germline.
Comment: This sequence change replaces threonine with asparagine at codon 1188 of the POLE protein (p.Thr1188Asn). The threonine residue is weakly conserved and there is a small physicochemical difference between threonine and asparagine. This variant is not present in population databases (ExAC no frequency). This variant has not been reported in the literature in individuals with POLE-related disease. Algorithms developed to predict the effect of missense changes on protein structure and function (SIFT, PolyPhen-2, Align-GVGD) all suggest that this variant is likely to be tolerated, but these predictions have not been confirmed by published functional studies and their clinical significance is uncertain. In summary, the available evidence is currently insufficient to determine the role of this variant in disease. Therefore, it has been classified as a Variant of Uncertain Significance.

NM_006231.4(POLE):c.3563C>A (p.Thr1188Asn)

Gene: POLE (DNA polymerase epsilon, catalytic subunit; minus strand). Cytogenetic location: 12q24.33.
Variant type: single nucleotide variant.
Coding change: c.3563C>A on transcript NM_006231.4 (MANE Select); coding-DNA position 3563, C replaced by A.
Protein change: p.Thr1188Asn; replaces threonine 1188 with asparagine.
Molecular consequence: missense variant.
Genome position (GRCh38, 1-based): chr12:132,657,155, G>T on the plus strand (C>A on the coding strand, the complement: POLE is on the minus strand). VCF-style: chr12-132657155-G-T. GRCh37 (hg19) VCF-style: chr12-133233741-G-T.
Other names: short protein forms T1188N.
Identifiers: ClinVar variation 575320 (VCV000575320.8), dbSNP rs1565952926, ClinGen allele CA387388345.
Genomic context (GRCh38, chr12:132,657,155, plus strand): 5'-CAAGGATCCCGCCCAGCCCAGCCTTGGGGCCCCACCGTCACCTGTCTCCTGCCCTCCAGG[G>T]TGAAGAGCTCACTGATCTTCTTCTGCTTGTAGACATCATTCTTCTCCAGCAGTTTTTTGT-3'
Protein context (NP_006222.2, residues 1178-1198): YKQKKISELF[Thr1188Asn]LEGRRQVTMA